The following is an entry in ClinVar:

ClinVar aggregate classification (germline): Likely benign. Review status: criteria provided, multiple submitters, no conflicts (2 of 4 stars). 2 submissions from 2 submitters: Likely benign (2). Last evaluated 2025-11-04.

Allele frequency attached by ClinVar (database versions not stated): 1000 Genomes Project 0.00200; 1000 Genomes Project 30x 0.00250; gnomAD 0.00274; TOPMed 0.00368; ESP Exome Variant Server 0.00439.

Submissions (2):

Labcorp Genetics (formerly Invitae), Labcorp
Classification: Likely benign. Last evaluated: 2025-11-04. Review status: criteria provided, single submitter. Criteria: Invitae Variant Classification Sherloc (09022015). Collection method: clinical testing. Allele origin: germline.

CeGaT Center for Human Genetics Tuebingen
Classification: Likely benign. Last evaluated: 2022-12-01. Review status: criteria provided, single submitter. Criteria: CeGaT Center For Human Genetics Tuebingen Variant Classification Criteria Version 2. Collection method: clinical testing. Allele origin: germline. Affected: yes. Observed: 2 variant alleles.
Comment: ZDBF2: BP4, BS2

NM_020923.3(ZDBF2):c.386A>G (p.Gln129Arg)

Gene: ZDBF2 (zinc finger DBF-type containing 2; plus strand). Cytogenetic location: 2q33.3.
Variant type: single nucleotide variant.
Coding change: c.386A>G on transcript NM_020923.3 (MANE Select); coding-DNA position 386, A replaced by G.
Protein change: p.Gln129Arg; replaces glutamine 129 with arginine.
Molecular consequence: missense variant.
Genome position (GRCh38, 1-based): chr2:206,304,914, A>G. VCF-style: chr2-206304914-A-G. GRCh37 (hg19) VCF-style: chr2-207169638-A-G.
Other names: c.380A>G, p.Gln127Arg (NM_001285549.2); c.386A>G, p.Gln129Arg (NM_001369654.1); short protein forms Q127R, Q129R.
Identifiers: ClinVar variation 735252 (VCV000735252.32), dbSNP rs113954798, ClinGen allele CA2071678.